The following is an entry in ClinVar:

ClinVar aggregate classification (germline): Uncertain significance. Review status: criteria provided, multiple submitters, no conflicts (2 of 4 stars). 2 submissions from 2 submitters: Uncertain significance (2). Last evaluated 2025-08-23.

Conditions:
Inborn genetic diseases. Identifiers: MedGen C0950123, MeSH D030342.

gnomAD v4.1: 22 of 1,611,460 alleles (0.0014%); highest among the groups gnomAD compares: Admixed American, 0.0033%; no homozygotes.

Submissions (2):

Ambry Genetics
Classification: Uncertain significance for Inborn genetic diseases. Last evaluated: 2025-08-23. Review status: criteria provided, single submitter. Criteria: Ambry Variant Classification Scheme 2023. Collection method: clinical testing. Allele origin: germline.

Labcorp Genetics (formerly Invitae), Labcorp
Classification: Uncertain significance. Last evaluated: 2025-07-02. Review status: criteria provided, single submitter. Criteria: Invitae Variant Classification Sherloc (09022015). Collection method: clinical testing. Allele origin: germline.
Comment: This sequence change replaces valine, which is neutral and non-polar, with methionine, which is neutral and non-polar, at codon 238 of the SAG protein (p.Val238Met). This variant is present in population databases (no rsID available, gnomAD 0.003%). This variant has not been reported in the literature in individuals affected with SAG-related conditions. Invitae Evidence Modeling of protein sequence and biophysical properties (such as structural, functional, and spatial information, amino acid conservation, physicochemical variation, residue mobility, and thermodynamic stability) has been performed for this missense variant. However, the output from this modeling did not meet the statistical confidence thresholds required to predict the impact of this variant on SAG protein function. In summary, the available evidence is currently insufficient to determine the role of this variant in disease. Therefore, it has been classified as a Variant of Uncertain Significance.

NM_000541.5(SAG):c.712G>A (p.Val238Met)

Gene: SAG (S-antigen visual arrestin; plus strand). Cytogenetic location: 2q37.1.
Variant type: single nucleotide variant.
Coding change: c.712G>A on transcript NM_000541.5 (MANE Select); coding-DNA position 712, G replaced by A.
Protein change: p.Val238Met; replaces valine 238 with methionine.
Molecular consequence: missense variant.
Genome position (GRCh38, 1-based): chr2:233,329,556, G>A. VCF-style: chr2-233329556-G-A. GRCh37 (hg19) VCF-style: chr2-234238202-G-A.
Other names: short protein forms V238M.
Identifiers: ClinVar variation 4158783 (VCV004158783.2).